The following is an entry in ClinVar:

ClinVar aggregate classification (germline): Uncertain significance (1 of 4 stars; one submission).

Submission:

Women's Health and Genetics/Laboratory Corporation of America, LabCorp
Classification: Uncertain significance. Last evaluated: 2024-07-01. Review status: criteria provided, single submitter. Criteria: LabCorp Variant Classification Summary - May 2015. Collection method: clinical testing. Allele origin: germline.
Comment: Variant summary: CSNK2B c.517G>A (p.Glu173Lys) results in a conservative amino acid change in the encoded protein sequence. Three of five in-silico tools predict a benign effect of the variant on protein function. The variant was absent in 249840 control chromosomes. The available data on variant occurrences in the general population are insufficient to allow any conclusion about variant significance. To our knowledge, no occurrence of c.517G>A in individuals affected with Poirier-Bienvenu Neurodevelopmental Syndrome and no experimental evidence demonstrating its impact on protein function have been reported. No submitters have cited clinical-significance assessments for this variant to ClinVar. Based on the evidence outlined above, the variant was classified as uncertain significance.

NM_001320.7(CSNK2B):c.517G>A (p.Glu173Lys)

Gene: CSNK2B (casein kinase 2 beta; plus strand). Cytogenetic location: 6p21.33.
Variant type: single nucleotide variant.
Coding change: c.517G>A on transcript NM_001320.7 (MANE Select); coding-DNA position 517, G replaced by A.
Protein change: p.Glu173Lys; replaces glutamic acid 173 with lysine.
Molecular consequence: missense variant.
Genome position (GRCh38, 1-based): chr6:31,669,468, G>A. VCF-style: chr6-31669468-G-A. GRCh37 (hg19) VCF-style: chr6-31637245-G-A.
Other names: c.508G>A, p.Glu170Lys (NM_001282385.2); short protein forms E170K, E173K.
Identifiers: ClinVar variation 3339233 (VCV003339233.1).